The following is an entry in ClinVar:

NM_004415.4(DSP):c.603G>A (p.Glu201=)

Gene: DSP (desmoplakin; plus strand). Cytogenetic location: 6p24.3.
Variant type: single nucleotide variant.
Coding change: c.603G>A on transcript NM_004415.4 (MANE Select); coding-DNA position 603, G replaced by A.
Protein change: p.Glu201=; no amino-acid change (glutamic acid 201 retained).
Molecular consequence: synonymous variant.
Genome position (GRCh38, 1-based): chr6:7,562,657, G>A. VCF-style: chr6-7562657-G-A. GRCh37 (hg19) VCF-style: chr6-7562890-G-A.
Other names: c.603G>A, p.Glu201= (NM_001008844.3, NM_001319034.2).
Identifiers: ClinVar variation 755798 (VCV000755798.14), dbSNP rs770080985, ClinGen allele CA046674.

ClinVar aggregate classification (germline): Likely benign. Review status: criteria provided, multiple submitters, no conflicts (2 of 4 stars). 3 submissions from 3 submitters: Likely benign (3). Last evaluated 2026-06-01.

Conditions:
Arrhythmogenic cardiomyopathy with wooly hair and keratoderma. Also called: Dilated cardiomyopathy with woolly hair and keratoderma; Carvajal syndrome; PALMOPLANTAR KERATODERMA WITH LEFT VENTRICULAR CARDIOMYOPATHY AND WOOLLY HAIR; Arrhythmogenic cardiomyopathy with woolly hair and keratoderma. Identifiers: Orphanet 65282, MedGen C1854063, MONDO:0011581, OMIM 605676.
Arrhythmogenic right ventricular dysplasia 8 (ARVD8). Also called: ARRHYTHMOGENIC RIGHT VENTRICULAR DYSPLASIA, FAMILIAL, 8; ARRHYTHMOGENIC RIGHT VENTRICULAR CARDIOMYOPATHY 8; Arrhythmogenic Right Ventricular Dysplasia/Cardiomyopathy 8. Identifiers: MedGen C1843896, MONDO:0011831, OMIM 607450.
Cardiovascular phenotype. Identifiers: MedGen CN230736.

Allele frequency attached by ClinVar (database versions not stated): gnomAD below 0.00001 and 0.00001; ExAC 0.00002; gnomAD exomes 0.00002 and 0.00003.
gnomAD v4.1: 12 of 1,614,064 alleles (0.00074%); highest among the groups gnomAD compares: South Asian, 0.013%; no homozygotes.

Submissions (3):

CeGaT Center for Human Genetics Tuebingen
Classification: Likely benign. Last evaluated: 2026-06-01. Review status: criteria provided, single submitter. Criteria: CeGaT Center For Human Genetics Tuebingen Variant Classification Criteria Version 2. Collection method: clinical testing. Allele origin: germline. Affected: yes. Observed: 1 variant allele.
Comment: DSP: BP4, BP7

Labcorp Genetics (formerly Invitae), Labcorp
Classification: Likely benign for Arrhythmogenic cardiomyopathy with wooly hair and keratoderma; Arrhythmogenic right ventricular dysplasia 8. Last evaluated: 2023-11-15. Review status: criteria provided, single submitter. Criteria: Invitae Variant Classification Sherloc (09022015). Collection method: clinical testing. Allele origin: germline.

Ambry Genetics
Classification: Likely benign for Cardiovascular phenotype. Last evaluated: 2023-01-28. Review status: criteria provided, single submitter. Criteria: Ambry Variant Classification Scheme 2023. Collection method: clinical testing. Allele origin: germline.